The following is an entry in ClinVar:

ClinVar aggregate classification (germline): Uncertain significance (1 of 4 stars; one submission).

Conditions:
Sialuria. Also called: SIALURIA, FRENCH TYPE; Sialic Acid Storage Disease. Identifiers: Orphanet 3166, MedGen C0342853, MONDO:0010028, OMIM 269921.
GNE myopathy (NM). Also called: NONAKA DISTAL MYOPATHY; INCLUSION BODY MYOPATHY, HEREDITARY, AUTOSOMAL RECESSIVE; INCLUSION BODY MYOPATHY 2, AUTOSOMAL RECESSIVE; MYOPATHY, DISTAL, WITH OR WITHOUT RIMMED VACUOLES; IBM 2; Inclusion body myopathy autosomal recessive. Identifiers: Orphanet 602, MedGen C1853926, MONDO:0011603, OMIM 605820.

Submission:

Labcorp Genetics (formerly Invitae), Labcorp
Classification: Uncertain significance for Sialuria; GNE myopathy. Last evaluated: 2025-08-08. Review status: criteria provided, single submitter. Criteria: Invitae Variant Classification Sherloc (09022015). Collection method: clinical testing. Allele origin: germline.
Comment: This sequence change replaces isoleucine, which is neutral and non-polar, with threonine, which is neutral and polar, at codon 200 of the GNE protein (p.Ile200Thr). This variant is not present in population databases (gnomAD no frequency). This variant has not been reported in the literature in individuals affected with GNE-related conditions. Invitae Evidence Modeling of protein sequence and biophysical properties (such as structural, functional, and spatial information, amino acid conservation, physicochemical variation, residue mobility, and thermodynamic stability) has been performed for this missense variant. However, the output from this modeling did not meet the statistical confidence thresholds required to predict the impact of this variant on GNE protein function. In summary, the available evidence is currently insufficient to determine the role of this variant in disease. Therefore, it has been classified as a Variant of Uncertain Significance.

NM_005476.7(GNE):c.506T>C (p.Ile169Thr)

Gene: GNE (glucosamine (UDP-N-acetyl)-2-epimerase/N-acetylmannosamine kinase; minus strand). Cytogenetic location: 9p13.3.
Variant type: single nucleotide variant.
Coding change: c.506T>C on transcript NM_005476.7 (MANE Select); coding-DNA position 506, T replaced by C.
Protein change: p.Ile169Thr; replaces isoleucine 169 with threonine.
Molecular consequence: missense variant.
Genome position (GRCh38, 1-based): chr9:36,246,141, A>G on the plus strand (T>C on the coding strand, the complement: GNE is on the minus strand). VCF-style: chr9-36246141-A-G. GRCh37 (hg19) VCF-style: chr9-36246138-A-G.
Other names: c.599T>C, p.Ile200Thr (NM_001128227.3); c.506T>C, p.Ile169Thr (NM_001190383.3, NM_001374797.1); c.329T>C, p.Ile110Thr (NM_001190384.3, NM_001190388.2, NM_001374798.1); short protein forms I200T, I110T, I169T.
Identifiers: ClinVar variation 4787799 (VCV004787799.1).